The following is an entry in ClinVar:

NM_005097.4(LGI1):c.1330G>A (p.Val444Met)

Gene: LGI1 (leucine rich glioma inactivated 1; plus strand). Cytogenetic location: 10q23.33.
Variant type: single nucleotide variant.
Coding change: c.1330G>A on transcript NM_005097.4 (MANE Select); coding-DNA position 1330, G replaced by A.
Protein change: p.Val444Met; replaces valine 444 with methionine.
Molecular consequence: missense variant. On other transcripts: non-coding transcript variant (1), intron variant (1).
Genome position (GRCh38, 1-based): chr10:93,797,459, G>A. VCF-style: chr10-93797459-G-A. GRCh37 (hg19) VCF-style: chr10-95557216-G-A.
Other names: c.1186G>A, p.Val396Met (NM_001308276.2); c.839-290G>A (NM_001308275.2); short protein forms V396M, V444M.
Identifiers: ClinVar variation 1020278 (VCV001020278.8), dbSNP rs772468388, ClinGen allele CA5611255.
Genomic context (GRCh38, chr10:93,797,459, plus strand): 5'-ACTGACATTCCTAACATGGAGGATGTGTACGCAGTGAAGCACTTCTCAGTGAAAGGGGAC[G>A]TGTACATTTGCTTGACAAGATTCATTGGTGATTCCAAAGTCATGAAATGGGGAGGCTCCT-3'
Protein context (NP_005088.1, residues 434-454): AVKHFSVKGD[Val444Met]YICLTRFIGD

ClinVar aggregate classification (germline): Uncertain significance (1 of 4 stars; one submission).

Conditions:
Autosomal dominant epilepsy with auditory features. Identifiers: Orphanet 101046, MedGen C1838062, MONDO:0010898.

Allele frequency attached by ClinVar (database versions not stated): TOPMed below 0.00001; gnomAD 0.00001; ExAC 0.00002.
gnomAD v4.1: 11 of 1,614,090 alleles (0.00068%); highest among the groups gnomAD compares: Middle Eastern, 0.016%; no homozygotes.

Submission:

Labcorp Genetics (formerly Invitae), Labcorp
Classification: Uncertain significance for Autosomal dominant epilepsy with auditory features. Last evaluated: 2022-01-17. Review status: criteria provided, single submitter. Criteria: Invitae Variant Classification Sherloc (09022015). Collection method: clinical testing. Allele origin: germline.
Comment: In summary, the available evidence is currently insufficient to determine the role of this variant in disease. Therefore, it has been classified as a Variant of Uncertain Significance. Algorithms developed to predict the effect of missense changes on protein structure and function are either unavailable or do not agree on the potential impact of this missense change (SIFT: "Deleterious"; PolyPhen-2: "Possibly Damaging"; Align-GVGD: "Class C0"). ClinVar contains an entry for this variant (Variation ID: 1020278). This variant has not been reported in the literature in individuals affected with LGI1-related conditions. This variant is present in population databases (rs772468388, gnomAD 0.003%). This sequence change replaces valine, which is neutral and non-polar, with methionine, which is neutral and non-polar, at codon 444 of the LGI1 protein (p.Val444Met).